The following is an entry in ClinVar:

ClinVar aggregate classification (germline): Uncertain significance (1 of 4 stars; one submission).

Conditions:
Bloom syndrome (BLM). Also called: Bloom-Torre-Machacek syndrome. Identifiers: Orphanet 125, MedGen C0005859, MONDO:0008876, OMIM 210900.

Submission:

Labcorp Genetics (formerly Invitae), Labcorp
Classification: Uncertain significance for Bloom syndrome. Last evaluated: 2023-11-24. Review status: criteria provided, single submitter. Criteria: Invitae Variant Classification Sherloc (09022015). Collection method: clinical testing. Allele origin: germline.
Comment: This variant, c.69_71del, results in the deletion of 1 amino acid(s) of the BLM protein (p.Asn23del), but otherwise preserves the integrity of the reading frame. This variant is not present in population databases (gnomAD no frequency). This variant has not been reported in the literature in individuals affected with BLM-related conditions. Experimental studies and prediction algorithms are not available or were not evaluated, and the functional significance of this variant is currently unknown. In summary, the available evidence is currently insufficient to determine the role of this variant in disease. Therefore, it has been classified as a Variant of Uncertain Significance.

NM_000057.4(BLM):c.63TAA[2] (p.Asn23del)

Gene: BLM (BLM RecQ like helicase; plus strand). Cytogenetic location: 15q26.1.
Variant type: Microsatellite.
Coding change: c.63TAA[2] on transcript NM_000057.4 (MANE Select); two copies in a row of the 3-base unit TAA starting at c.63; the reference has three copies in a row; one copy, 3 bases deleted.
Protein change: p.Asn23del; deletes asparagine 23.
Molecular consequence: inframe deletion. On other transcripts: 5 prime UTR variant (1).
Genome position (GRCh38, 1-based): chr15:90,747,461-90,747,463, TAA deleted; deleting any 3 consecutive bases within chr15:90,747,455-90,747,463 gives the same sequence; the position shown is the placement nearest the transcript's 3' end. VCF-style (leftmost placement, unchanged base first): chr15-90747454-TTAA-T. GRCh37 (hg19) VCF-style: chr15-91290684-TTAA-T.
Other names: c.63TAA[2], p.Asn23del (NM_001287246.2, NM_001287247.2); c.-1229TAA[2] (NM_001287248.2); short protein forms N23del.
Identifiers: ClinVar variation 2822957 (VCV002822957.3), dbSNP rs2505385078, ClinGen allele CA2739269751.